The following is an entry in ClinVar:

NM_003742.4(ABCB11):c.784-177G>A

Gene: ABCB11 (ATP binding cassette subfamily B member 11; minus strand). Cytogenetic location: 2q31.1.
Variant type: single nucleotide variant.
Coding change: c.784-177G>A on transcript NM_003742.4 (MANE Select); 177 bases into the intron before coding-DNA position 784, G replaced by A.
Molecular consequence: intron variant.
Genome position (GRCh38, 1-based): chr2:168,991,102, C>T on the plus strand (G>A on the coding strand, the complement: ABCB11 is on the minus strand). VCF-style: chr2-168991102-C-T. GRCh37 (hg19) VCF-style: chr2-169847612-C-T.
Identifiers: ClinVar variation 1710824 (VCV001710824.2), dbSNP rs114490811, ClinGen allele CA59895437.

ClinVar aggregate classification (germline): Likely benign (1 of 4 stars; one submission).

Allele frequency attached by ClinVar (database versions not stated): gnomAD 0.00988; TOPMed 0.01090; 1000 Genomes Project 0.01697; 1000 Genomes Project 30x 0.01733.
gnomAD v4.1: 1,482 of 152,172 alleles (0.97%); highest among the groups gnomAD compares: African/African-American, 3.2%; 26 homozygotes.

Submission:

GeneDx
Classification: Likely benign. Last evaluated: 2021-12-20. Review status: criteria provided, single submitter. Criteria: GeneDx Variant Classification Process June 2021. Collection method: clinical testing. Allele origin: germline. Affected: yes.
Comment: See Variant Classification Assertion Criteria.